The following is an entry in ClinVar:

NM_006005.3(WFS1):c.1883C>T (p.Thr628Met)

Gene: WFS1 (wolframin ER transmembrane glycoprotein; plus strand). Cytogenetic location: 4p16.1.
Variant type: single nucleotide variant.
Coding change: c.1883C>T on transcript NM_006005.3 (MANE Select); coding-DNA position 1883, C replaced by T.
Protein change: p.Thr628Met; replaces threonine 628 with methionine.
Molecular consequence: missense variant.
Genome position (GRCh38, 1-based): chr4:6,301,678, C>T. VCF-style: chr4-6301678-C-T. GRCh37 (hg19) VCF-style: chr4-6303405-C-T.
Other names: c.1883C>T, p.Thr628Met (NM_001145853.1); short protein forms T628M.
Identifiers: ClinVar variation 1401302 (VCV001401302.16), dbSNP rs368236000, ClinGen allele CA2839533.

ClinVar aggregate classification (germline): Uncertain significance. Review status: criteria provided, multiple submitters, no conflicts (2 of 4 stars). 7 submissions from 7 submitters: Uncertain significance (7). Last evaluated 2026-04-14.

Conditions:
Wolfram syndrome 1 (WFS1). Identifiers: Orphanet 3463, MedGen C4551693, MONDO:0009101, OMIM 222300.
Wolfram-like syndrome. Also called: HEARING LOSS, PROGRESSIVE, WITH OPTIC ATROPHY AND/OR IMPAIRED GLUCOSE REGULATION. Identifiers: Orphanet 411590, MedGen C3280358, MONDO:0013673, OMIM 614296.
Cataract 41 (CTRCT41). Also called: CATARACT 41, CONGENITAL NUCLEAR TYPE. Identifiers: Orphanet 91492, Orphanet 98991, Orphanet 98992, Orphanet 98995, MedGen C3805412, MONDO:0007287, OMIM 116400.
Autosomal dominant nonsyndromic hearing loss 6 (LFSNHL). Also called: Autosomal dominant nonsyndromic deafness 6; DEAFNESS, AUTOSOMAL DOMINANT 14; DEAFNESS, AUTOSOMAL DOMINANT 38; DEAFNESS, AUTOSOMAL DOMINANT 6. Identifiers: Orphanet 90635, MedGen C1833021, MONDO:0010963, OMIM 600965.
Type 2 diabetes mellitus. Also called: Type II diabetes mellitus. Identifiers: MedGen C0011860, MeSH D003924, MONDO:0005148, OMIM 125853, HP:0005978.
WFS1-related disorder. Identifiers: MedGen CN379391, MONDO:0700293.
Inborn genetic diseases. Identifiers: MedGen C0950123, MeSH D030342.

Allele frequency attached by ClinVar (database versions not stated): gnomAD exomes 0.00003; ESP Exome Variant Server 0.00008.
gnomAD v4.1: 207 of 1,614,092 alleles (0.013%); highest among the groups gnomAD compares: Non-Finnish European, 0.017%; no homozygotes.

Submissions (7):

GeneDx
Classification: Uncertain significance. Last evaluated: 2026-04-14. Review status: criteria provided, single submitter. Criteria: GeneDx Variant Classification Process June 2021. Collection method: clinical testing. Allele origin: germline.
Comment: Has not been previously published as pathogenic or benign to our knowledge; In silico analysis suggests that this missense variant does not alter protein structure/function

Labcorp Genetics (formerly Invitae), Labcorp
Classification: Uncertain significance. Last evaluated: 2025-09-07. Review status: criteria provided, single submitter. Criteria: Invitae Variant Classification Sherloc (09022015). Collection method: clinical testing. Allele origin: germline.
Comment: This sequence change replaces threonine, which is neutral and polar, with methionine, which is neutral and non-polar, at codon 628 of the WFS1 protein (p.Thr628Met). This variant is present in population databases (rs368236000, gnomAD 0.008%). This variant has not been reported in the literature in individuals affected with WFS1-related conditions. ClinVar contains an entry for this variant (Variation ID: 1401302). Invitae Evidence Modeling of protein sequence and biophysical properties (such as structural, functional, and spatial information, amino acid conservation, physicochemical variation, residue mobility, and thermodynamic stability) has been performed for this missense variant. However, the output from this modeling did not meet the statistical confidence thresholds required to predict the impact of this variant on WFS1 protein function. In summary, the available evidence is currently insufficient to determine the role of this variant in disease. Therefore, it has been classified as a Variant of Uncertain Significance.

Blueprint Genetics
Classification: Uncertain significance. Last evaluated: 2023-08-21. Review status: criteria provided, single submitter. Criteria: ACMG Guidelines, 2015. Collection method: clinical testing. Allele origin: germline.

Ambry Genetics
Classification: Uncertain significance for Inborn genetic diseases. Last evaluated: 2023-02-28. Review status: criteria provided, single submitter. Criteria: Ambry Variant Classification Scheme 2023. Collection method: clinical testing. Allele origin: germline.

PreventionGenetics, part of Exact Sciences
Classification: Uncertain significance for WFS1-related condition. Last evaluated: 2022-09-14. Review status: criteria provided, single submitter. Criteria: ACMG Guidelines, 2015. Collection method: clinical testing. Allele origin: germline.
Comment: The WFS1 c.1883C>T variant is predicted to result in the amino acid substitution p.Thr628Met. To our knowledge, this variant has not been reported in the literature. This variant is reported in 0.0070% of alleles in individuals of European (Non-Finnish) descent in gnomAD. At this time, the clinical significance of this variant is uncertain due to the absence of conclusive functional and genetic evidence.

Fulgent Genetics
Classification: Uncertain significance for Cataract 41; Type 2 diabetes mellitus; Wolfram syndrome 1; Autosomal dominant nonsyndromic hearing loss 6; Wolfram-like syndrome. Last evaluated: 2021-12-03. Review status: criteria provided, single submitter. Criteria: ACMG Guidelines, 2015. Collection method: clinical testing. Allele origin: unknown.

Breakthrough Genomics
Classification: Uncertain significance. Review status: criteria provided, single submitter. Criteria: ACMG Guidelines, 2015. Collection method: not provided. Allele origin: germline. Inheritance: Autosomal recessive inheritance. Affected: yes.